The following is an entry in ClinVar:

ClinVar aggregate classification (germline): Likely benign. Review status: criteria provided, multiple submitters, no conflicts (2 of 4 stars). 3 submissions from 3 submitters: Likely benign (3). Last evaluated 2025-08-27.

Conditions:
TRPV4-related disorder. Also called: TRPV4-related condition; TRPV4-related disorders.
Charcot-Marie-Tooth disease axonal type 2C (HMSN2C). Also called: Charcot-Marie-Tooth Disease Type 2, TRPV4-Related (CMT2C); CHARCOT-MARIE-TOOTH DISEASE, AXONAL, AUTOSOMAL DOMINANT, TYPE 2C; Charcot-Marie-Tooth Neuropathy Type 2C. Identifiers: Orphanet 99937, MedGen C1853710, MONDO:0011633, OMIM 606071.

Allele frequency attached by ClinVar (database versions not stated): gnomAD exomes 0.00001 and 0.00002; ExAC 0.00002; TOPMed 0.00003; gnomAD 0.00006.
gnomAD v4.1: 22 of 1,613,568 alleles (0.0014%); highest among the groups gnomAD compares: African/African-American, 0.008%; no homozygotes.

Submissions (3):

PreventionGenetics, part of Exact Sciences
Classification: Likely benign for TRPV4-related condition. Last evaluated: 2025-08-27. Review status: criteria provided, single submitter. Criteria: ACMG Guidelines, 2015. Collection method: clinical testing. Allele origin: germline.
Comment: This variant is classified as likely benign based on ACMG/AMP sequence variant interpretation guidelines (Richards et al. 2015 PMID: 25741868, with internal and published modifications).

Labcorp Genetics (formerly Invitae), Labcorp
Classification: Likely benign for Charcot-Marie-Tooth disease axonal type 2C. Last evaluated: 2025-07-06. Review status: criteria provided, single submitter. Criteria: Invitae Variant Classification Sherloc (09022015). Collection method: clinical testing. Allele origin: germline.

ARUP Laboratories, Molecular Genetics and Genomics, ARUP Laboratories
Classification: Likely benign. Last evaluated: 2022-09-20. Review status: criteria provided, single submitter. Criteria: ARUP Molecular Germline Variant Investigation Process 2021. Collection method: clinical testing. Allele origin: germline.

NM_021625.5(TRPV4):c.1092C>T (p.Ala364=)

Gene: TRPV4 (transient receptor potential cation channel subfamily V member 4; minus strand). Cytogenetic location: 12q24.11.
Variant type: single nucleotide variant.
Coding change: c.1092C>T on transcript NM_021625.5 (MANE Select); coding-DNA position 1092, C replaced by T.
Protein change: p.Ala364=; no amino-acid change (alanine 364 retained).
Molecular consequence: synonymous variant.
Genome position (GRCh38, 1-based): chr12:109,798,674, G>A on the plus strand (C>T on the coding strand, the complement: TRPV4 is on the minus strand). VCF-style: chr12-109798674-G-A. GRCh37 (hg19) VCF-style: chr12-110236479-G-A.
Other names: c.951C>T, p.Ala317= (NM_001177428.2, NM_001177433.2); c.990C>T, p.Ala330= (NM_001177431.2); c.1092C>T, p.Ala364= (NM_147204.3).
Identifiers: ClinVar variation 1143573 (VCV001143573.12), dbSNP rs761716884, ClinGen allele CA6780354.
Genomic context (GRCh38, chr12:109,798,674, plus strand): 5'-CCCAATCTTGCCCGTCTTGGCAGCCATCATGAGGGGCGAGAGGCCGTCGTTGTTGAGCAC[G>A]GCCTCCAGGTTGCTGTCGGGGAAGAGGCGGGCACACTTGAGCAGCAGCAGGTCGTACATC-3'
Protein context (NP_067638.3, residues 354-374): ARLFPDSNLE[Ala364=]VLNNDGLSPL